The following is an entry in ClinVar:

ClinVar aggregate classification (germline): Benign/Likely benign. Review status: criteria provided, multiple submitters, no conflicts (2 of 4 stars). 2 submissions from 2 submitters: Benign (1); Likely benign (1). Last evaluated 2022-02-16.

Conditions:
Ornithine carbamoyltransferase deficiency (OTCD). Also called: ORNITHINE TRANSCARBAMYLASE DEFICIENCY; ORNITHINE TRANSCARBAMYLASE DEFICIENCY, HYPERAMMONEMIA DUE TO; OTC DEFICIENCY; Ornithine Carbamoyltransferase Deficiency Disease. Identifiers: Orphanet 664, MedGen C0268542, MONDO:0010703, OMIM 311250.

Allele frequency attached by ClinVar (database versions not stated): TOPMed 0.00008; ESP Exome Variant Server 0.00028; 1000 Genomes Project 30x 0.00062; 1000 Genomes Project 0.00079; gnomAD exomes 0.00082 and 0.00143; gnomAD 0.00088 and 0.00090; ExAC 0.00127.
gnomAD v4.1: 841 of 1,013,723 alleles (0.083%); highest among the groups gnomAD compares: East Asian, 0.31%; 2 homozygotes.

Submissions (2):

GeneDx
Classification: Likely benign. Last evaluated: 2022-02-16. Review status: criteria provided, single submitter. Criteria: GeneDx Variant Classification Process June 2021. Collection method: clinical testing. Allele origin: germline. Affected: yes.
Comment: See Variant Classification Assertion Criteria.

Illumina Laboratory Services, Illumina
Classification: Benign for Ornithine carbamoyltransferase deficiency. Last evaluated: 2018-01-13. Review status: criteria provided, single submitter. Criteria: ICSL Variant Classification Criteria 13 December 2019. Collection method: clinical testing. Allele origin: germline.
Comment: This variant was observed in the ICSL laboratory as part of a predisposition screen in an ostensibly healthy population. It had not been previously curated by ICSL or reported in the Human Gene Mutation Database (HGMD: prior to June 1st, 2018), and was therefore a candidate for classification through an automated scoring system. Utilizing variant allele frequency, disease prevalence and penetrance estimates, and inheritance mode, an automated score was calculated to assess if this variant is too frequent to cause the disease. Based on the score and internal cut-off values, a variant classified as benign is not then subjected to further curation. The score for this variant resulted in a classification of benign for this disease.

NM_000531.6(OTC):c.-48G>T

Gene: OTC (ornithine transcarbamylase; plus strand). Cytogenetic location: Xp11.4.
Variant type: single nucleotide variant.
Coding change: c.-48G>T on transcript NM_000531.6 (MANE Select); 48 bases upstream of the start codon, G replaced by T.
Molecular consequence: 5 prime UTR variant.
Genome position (GRCh38, 1-based): chrX:38,352,649, G>T. VCF-style: chrX-38352649-G-T. GRCh37 (hg19) VCF-style: chrX-38211902-G-T.
Identifiers: ClinVar variation 368256 (VCV000368256.5), dbSNP rs182454762, ClinGen allele CA10385762.